The following is an entry in ClinVar:

NM_000307.5(POU3F4):c.437_440del (p.Glu146fs)

Gene: POU3F4 (POU class 3 homeobox 4; plus strand). Cytogenetic location: Xq21.1.
Variant type: Deletion.
Coding change: c.437_440del on transcript NM_000307.5 (MANE Select); coding-DNA positions 437 to 440, 4 bases deleted (AACA; older notation c.437_440delAACA).
Protein change: p.Glu146fs; shifts the reading frame from glutamic acid 146.
Molecular consequence: frameshift variant.
Genome position (GRCh38, 1-based): chrX:83,508,761-83,508,764, AACA deleted. VCF-style (leftmost placement, unchanged base first): chrX-83508760-GAACA-G. GRCh37 (hg19) VCF-style: chrX-82763768-GAACA-G.
Other names: short protein forms E146fs.
Identifiers: ClinVar variation 3601661 (VCV003601661.1).

ClinVar aggregate classification (germline): Pathogenic (1 of 4 stars; one submission).

Conditions:
X-linked mixed hearing loss with perilymphatic gusher. Also called: Deafness, X-linked 2; NANCE DEAFNESS; PERILYMPHATIC GUSHER-DEAFNESS SYNDROME; SENSORINEURAL DEAFNESS, PROFOUND, WITH OR WITHOUT A CONDUCTIVE COMPONENT, ASSOCIATED WITH A UNIQUE DEVELOPMENTAL ABNORMALITY OF THE EAR; Gusher syndrome. Identifiers: Orphanet 383, MedGen C1844678, MONDO:0010576, OMIM 304400.

Submission:

Institute of Rare Diseases, West China Hospital, Sichuan University
Classification: Pathogenic for X-linked mixed hearing loss with perilymphatic gusher. Last evaluated: 2025-01-09. Review status: criteria provided, single submitter. Criteria: ClinGen HL ACMG Specifications v1. Collection method: research. Allele origin: germline. Affected: yes.
Comment: PVS1;PM3;PP1;PM2_Supporting